The following is an entry in ClinVar:

ClinVar aggregate classification (germline): Uncertain significance (1 of 4 stars; one submission).

Allele frequency attached by ClinVar (database versions not stated): gnomAD exomes below 0.00001; TOPMed below 0.00001; ExAC 0.00002.
gnomAD v4.1: 7 of 1,614,248 alleles (0.00043%); highest among the groups gnomAD compares: Non-Finnish European, 0.00059%; no homozygotes.

Submission:

Labcorp Genetics (formerly Invitae), Labcorp
Classification: Uncertain significance. Last evaluated: 2024-11-03. Review status: criteria provided, single submitter. Criteria: Invitae Variant Classification Sherloc (09022015). Collection method: clinical testing. Allele origin: germline.
Comment: This sequence change replaces lysine, which is basic and polar, with arginine, which is basic and polar, at codon 1997 of the TRRAP protein (p.Lys1997Arg). This variant is present in population databases (rs782690087, gnomAD 0.003%). This variant has not been reported in the literature in individuals affected with TRRAP-related conditions. ClinVar contains an entry for this variant (Variation ID: 3010296). Invitae Evidence Modeling of protein sequence and biophysical properties (such as structural, functional, and spatial information, amino acid conservation, physicochemical variation, residue mobility, and thermodynamic stability) indicates that this missense variant is not expected to disrupt TRRAP protein function with a negative predictive value of 80%. In summary, the available evidence is currently insufficient to determine the role of this variant in disease. Therefore, it has been classified as a Variant of Uncertain Significance.

NM_001375524.1(TRRAP):c.6065A>G (p.Lys2022Arg)

Gene: TRRAP (transformation/transcription domain associated protein; plus strand). Cytogenetic location: 7q22.1.
Variant type: single nucleotide variant.
Coding change: c.6065A>G on transcript NM_001375524.1 (MANE Select); coding-DNA position 6065, A replaced by G.
Protein change: p.Lys2022Arg; replaces lysine 2022 with arginine.
Molecular consequence: missense variant.
Genome position (GRCh38, 1-based): chr7:98,956,273, A>G. VCF-style: chr7-98956273-A-G. GRCh37 (hg19) VCF-style: chr7-98553896-A-G.
Other names: c.6044A>G, p.Lys2015Arg (NM_001244580.2); c.5990A>G, p.Lys1997Arg (NM_003496.4); short protein forms K2015R, K1997R, K2022R.
Identifiers: ClinVar variation 3010296 (VCV003010296.3), dbSNP rs782690087, ClinGen allele CA4360732.